The following is an entry in ClinVar:

ClinVar aggregate classification (germline): Uncertain significance. Review status: criteria provided, multiple submitters, no conflicts (2 of 4 stars). 3 submissions from 3 submitters: Uncertain significance (3). Last evaluated 2025-10-13.

Conditions:
Hereditary cancer-predisposing syndrome. Also called: Neoplastic Syndromes, Hereditary; Tumor predisposition; Hereditary Cancer Syndrome; Hereditary neoplastic syndrome. Identifiers: Orphanet 140162, MedGen C0027672, MeSH D009386, MONDO:0015356.
Gastrointestinal stromal tumor. Also called: Gastrointestinal stromal tumor, somatic; Gastrointestinal stroma tumor. Identifiers: Orphanet 44890, MedGen C0238198, MeSH D046152, MONDO:0011719, OMIM 606764, HP:0100723.
Polyps, multiple and recurrent inflammatory fibroid, gastrointestinal. Identifiers: MedGen C5193005, MONDO:0008285, OMIM 175510.

Allele frequency attached by ClinVar (database versions not stated): gnomAD exomes below 0.00001.
gnomAD v4.1: 2 of 1,614,166 alleles (0.00012%); highest among the groups gnomAD compares: East Asian, 0.0022%; no homozygotes.

Submissions (3):

Labcorp Genetics (formerly Invitae), Labcorp
Classification: Uncertain significance for Gastrointestinal stromal tumor. Last evaluated: 2025-10-13. Review status: criteria provided, single submitter. Criteria: Invitae Variant Classification Sherloc (09022015). Collection method: clinical testing. Allele origin: germline.
Comment: This sequence change replaces histidine, which is basic and polar, with arginine, which is basic and polar, at codon 310 of the PDGFRA protein (p.His310Arg). This variant is not present in population databases (gnomAD no frequency). This variant has not been reported in the literature in individuals affected with PDGFRA-related conditions. ClinVar contains an entry for this variant (Variation ID: 3240057). An algorithm developed to predict the effect of missense changes on protein structure and function (PolyPhen-2) suggests that this variant is likely to be disruptive. Algorithms developed to predict the effect of sequence changes on RNA splicing suggest that this variant may disrupt the consensus splice site. In summary, the available evidence is currently insufficient to determine the role of this variant in disease. Therefore, it has been classified as a Variant of Uncertain Significance.

Ambry Genetics
Classification: Uncertain significance for Hereditary cancer-predisposing syndrome. Last evaluated: 2024-09-19. Review status: criteria provided, single submitter. Criteria: Ambry Variant Classification Scheme 2023. Collection method: clinical testing. Allele origin: germline.
Comment: The p.H310R variant (also known as c.929A>G), located in coding exon 5 of the PDGFRA gene, results from an A to G substitution at nucleotide position 929. The histidine at codon 310 is replaced by arginine, an amino acid with highly similar properties. This amino acid position is conserved. In addition, this alteration is predicted to be tolerated by in silico analysis. Based on the available evidence, the clinical significance of this variant remains unclear.

Baylor Genetics
Classification: Uncertain significance for Polyps, multiple and recurrent inflammatory fibroid, gastrointestinal. Last evaluated: 2024-03-07. Review status: criteria provided, single submitter. Criteria: ACMG Guidelines, 2015. Collection method: clinical testing. Allele origin: unknown.

NM_006206.6(PDGFRA):c.929A>G (p.His310Arg)

Gene: PDGFRA (platelet derived growth factor receptor alpha; plus strand). Cytogenetic location: 4q12.
Variant type: single nucleotide variant.
Coding change: c.929A>G on transcript NM_006206.6 (MANE Select); coding-DNA position 929, A replaced by G.
Protein change: p.His310Arg; replaces histidine 310 with arginine.
Molecular consequence: missense variant.
Genome position (GRCh38, 1-based): chr4:54,267,458, A>G. VCF-style: chr4-54267458-A-G. GRCh37 (hg19) VCF-style: chr4-55133625-A-G.
Other names: c.929A>G, p.His310Arg (NM_001347827.2, NM_001347829.2); c.1004A>G, p.His335Arg (NM_001347828.2); c.968A>G, p.His323Arg (NM_001347830.2); short protein forms H310R, H323R, H335R.
Identifiers: ClinVar variation 3240057 (VCV003240057.3), dbSNP rs1723097097.